The following is an entry in ClinVar:

ClinVar aggregate classification (germline): Uncertain significance. Review status: criteria provided, multiple submitters, no conflicts (2 of 4 stars). 3 submissions from 3 submitters: Uncertain significance (3). Last evaluated 2025-07-28.

Conditions:
Charcot-Marie-Tooth disease recessive intermediate C. Also called: CHARCOT-MARIE-TOOTH NEUROPATHY, RECESSIVE INTERMEDIATE C. Identifiers: Orphanet 369867, MedGen C3809309, MONDO:0014154, OMIM 615376.
Neuronopathy, distal hereditary motor, autosomal recessive 4. Also called: Autosomal recessive lower motor neuron disease with childhood onset; NEUROPATHY, DISTAL HEREDITARY MOTOR, AUTOSOMAL RECESSIVE 4. Identifiers: Orphanet 206580, MedGen C1970211, MONDO:0012608, OMIM 611067.
Inborn genetic diseases. Identifiers: MedGen C0950123, MeSH D030342.

Allele frequency attached by ClinVar (database versions not stated): gnomAD 0.00001; gnomAD exomes 0.00001; TOPMed 0.00001; ExAC 0.00003.
gnomAD v4.1: 12 of 1,607,496 alleles (0.00075%); highest among the groups gnomAD compares: African/African-American, 0.0013%; no homozygotes.

Submissions (3):

Labcorp Genetics (formerly Invitae), Labcorp
Classification: Uncertain significance for Neuronopathy, distal hereditary motor, autosomal recessive 4; Charcot-Marie-Tooth disease recessive intermediate C. Last evaluated: 2025-07-28. Review status: criteria provided, single submitter. Criteria: Invitae Variant Classification Sherloc (09022015). Collection method: clinical testing. Allele origin: germline.
Comment: This sequence change replaces leucine, which is neutral and non-polar, with arginine, which is basic and polar, at codon 361 of the PLEKHG5 protein (p.Leu361Arg). This variant is present in population databases (rs762368406, gnomAD 0.004%). This variant has not been reported in the literature in individuals affected with PLEKHG5-related conditions. ClinVar contains an entry for this variant (Variation ID: 451518). An algorithm developed to predict the effect of missense changes on protein structure and function (PolyPhen-2) suggests that this variant is likely to be disruptive. In summary, the available evidence is currently insufficient to determine the role of this variant in disease. Therefore, it has been classified as a Variant of Uncertain Significance.

Ambry Genetics
Classification: Uncertain significance for Inborn genetic diseases. Last evaluated: 2022-10-26. Review status: criteria provided, single submitter. Criteria: Ambry Variant Classification Scheme 2023. Collection method: clinical testing. Allele origin: germline.

GeneDx
Classification: Uncertain significance. Last evaluated: 2017-08-21. Review status: criteria provided, single submitter. Criteria: GeneDx Variant Classification (06012015). Collection method: clinical testing. Allele origin: germline. Affected: yes.
Comment: The c.1082 T>G variant has not been published as a pathogenic variant, nor has it been reported as a benign variant to our knowledge. The c.1082 T>G variant is not observed at a significant frequency in large population cohorts (Lek et al., 2016; 1000 Genomes Consortium et al., 2015; Exome Variant Server). Multiple in-silico splice prediction models predict that c.1082 T>G reduces the strength of the natural splice acceptor site and may lead to abnormal gene splicing. However, in the absence of RNA/functional studies the actual effect of c.1082 T>G on splicing in this individual is unknown. If c.1082 T>G does not alter splicing, it will result in the L361R missense change. The L361R variant is a non-conservative amino acid substitution, which is likely to impact secondary protein structure as these residues differ in polarity, charge, size and/or other properties. This substitution occurs at a position that is conserved across species, and in silico analysis predicts this variant is probably damaging to the protein structure/function. However, missense variants in nearby residues have not been reported in the Human Gene Mutation Database in association with PLEKHG5-related disorders (Stenson et al., 2014).

NM_020631.6(PLEKHG5):c.1082T>G (p.Leu361Arg)

Gene: PLEKHG5 (pleckstrin homology and RhoGEF domain containing G5; minus strand). Cytogenetic location: 1p36.31.
Variant type: single nucleotide variant.
Coding change: c.1082T>G on transcript NM_020631.6 (MANE Select); coding-DNA position 1082, T replaced by G.
Protein change: p.Leu361Arg; replaces leucine 361 with arginine.
Molecular consequence: missense variant.
Genome position (GRCh38, 1-based): chr1:6,471,807, A>C on the plus strand (T>G on the coding strand, the complement: PLEKHG5 is on the minus strand). VCF-style: chr1-6471807-A-C. GRCh37 (hg19) VCF-style: chr1-6531867-A-C.
Other names: c.1193T>G, p.Leu398Arg (NM_001042663.3, NM_001265592.2); c.1082T>G, p.Leu361Arg (NM_001042664.2, NM_001042665.2, NM_001265594.3 and 1 more transcripts); c.1289T>G, p.Leu430Arg (NM_001265593.2); short protein forms L361R, L430R, L398R.
Identifiers: ClinVar variation 451518 (VCV000451518.10), dbSNP rs762368406, ClinGen allele CA561637.
Genomic context (GRCh38, chr1:6,471,807, plus strand): 5'-TCCCAGCGCACCTCACACAGCAGCCCTGACTCTTGCAGGTTCAGGAGGCAGCACAGGAAC[A>C]GCTGTGGGATCAGGGGATGGTGTGACTGGGGTCGGGAGGCTGTCTCAGCCCTAGGGCCCC-3'
Protein context (NP_065682.2, residues 351-371): YIRKLRVIIN[Leu361Arg]FLCCLLNLQE